The following is an entry in ClinVar:

ClinVar aggregate classification (germline): Pathogenic (1 of 4 stars; one submission).

Allele frequency attached by ClinVar (database versions not stated): gnomAD 0.00001; gnomAD exomes 0.00001.
gnomAD v4.1: 5 of 1,613,768 alleles (0.00031%); highest among the groups gnomAD compares: Non-Finnish European, 0.00034%; no homozygotes.

Submission:

Labcorp Genetics (formerly Invitae), Labcorp
Classification: Pathogenic. Last evaluated: 2022-08-02. Review status: criteria provided, single submitter. Criteria: Invitae Variant Classification Sherloc (09022015). Collection method: clinical testing. Allele origin: germline.
Comment: This sequence change creates a premature translational stop signal (p.Gln1022*) in the CUL7 gene. It is expected to result in an absent or disrupted protein product. Loss-of-function variants in CUL7 are known to be pathogenic (PMID: 16142236, 17675530, 19225462). This variant is present in population databases (no rsID available, gnomAD 0.002%). This variant has not been reported in the literature in individuals affected with CUL7-related conditions. For these reasons, this variant has been classified as Pathogenic.

Literature cited by the submitters: PubMed 16142236; PubMed 17675530; PubMed 19225462.

NM_014780.5(CUL7):c.3064C>T (p.Gln1022Ter)

Gene: CUL7 (cullin 7; minus strand). Cytogenetic location: 6p21.1.
Variant type: single nucleotide variant.
Coding change: c.3064C>T on transcript NM_014780.5 (MANE Select); coding-DNA position 3064, C replaced by T.
Protein change: p.Gln1022Ter; replaces glutamine 1022 with a stop codon.
Molecular consequence: nonsense.
Genome position (GRCh38, 1-based): chr6:43,044,860, G>A on the plus strand (C>T on the coding strand, the complement: CUL7 is on the minus strand). VCF-style: chr6-43044860-G-A. GRCh37 (hg19) VCF-style: chr6-43012598-G-A.
Other names: c.3160C>T, p.Gln1054Ter (NM_001168370.2, NM_001374872.1); c.3064C>T, p.Gln1022Ter (NM_001374873.1, NM_001374874.1); short protein forms Q1022*, Q1054*.
Identifiers: ClinVar variation 2064896 (VCV002064896.1), dbSNP rs1451502922, ClinGen allele CA364207768.
Genomic context (GRCh38, chr6:43,044,860, plus strand): 5'-AGGTCTTGCCCAGAGCTTGGGCAGCCTCGTCATCAGGGAGGAAGCGGTCAGCAAAATTCT[G>A]CTCCTGGCGCAGAGCACCGTTGAGTCTGGGGGTGAGAATGGAGGAGGAAGGTGTCAGGGG-3'